The following is an entry in ClinVar:

ClinVar aggregate classification (germline): Uncertain significance. Review status: criteria provided, multiple submitters, no conflicts (2 of 4 stars). 2 submissions from 2 submitters: Uncertain significance (2). Last evaluated 2023-06-08.

Conditions:
Hereditary breast ovarian cancer syndrome. Also called: Hereditary breast and ovarian cancer syndrome; Hereditary breast and/or ovarian cancer syndrome; BRCA1- and BRCA2-Associated Hereditary Breast and Ovarian Cancer; Hereditary breast and ovarian cancer syndrome (HBOC); Breast and ovarian cancer; Hereditary breast and ovarian cancer. Identifiers: Orphanet 145, MedGen C0677776, MeSH D061325, MONDO:0003582. Disease mechanism: loss of function.
Breast-ovarian cancer, familial, susceptibility to, 2 (BROVCA2). Also called: BRCA2 Hereditary Breast and Ovarian Cancer. Identifiers: Orphanet 145, MedGen C2675520, MONDO:0012933, OMIM 612555. Disease mechanism: loss of function.

Allele frequency attached by ClinVar (database versions not stated): gnomAD exomes below 0.00001.
gnomAD v4.1: 4 of 1,611,754 alleles (0.00025%); highest among the groups gnomAD compares: Non-Finnish European, 0.00034%; no homozygotes.

Submissions (2):

All of Us Research Program, National Institutes of Health
Classification: Uncertain significance for Breast-ovarian cancer, familial, susceptibility to, 2. Last evaluated: 2023-06-08. Review status: criteria provided, single submitter. Criteria: ACMG Guidelines, 2015. Collection method: clinical testing. Allele origin: germline. Inheritance: Autosomal dominant inheritance. Observed: 1 variant allele, 1 heterozygote.
Comment: This missense variant replaces isoleucine with threonine at codon 963 of the BRCA2 protein. Computational prediction suggests that this variant may not impact protein structure and function (internally defined REVEL score threshold <= 0.5, PMID: 27666373). To our knowledge, functional studies have not been reported for this variant. This variant has not been reported in individuals affected with BRCA2-related disorders in the literature. This variant has not been identified in the general population by the Genome Aggregation Database (gnomAD). The available evidence is insufficient to determine the role of this variant in disease conclusively. Therefore, this variant is classified as a Variant of Uncertain Significance.

This study involves interpretation of variants in research participants for the purpose of population health screening. Participant phenotype was not available at the time of variant classification. Additional details can be found in publication PMID: 35346344, PMCID: PMC8962531

Labcorp Genetics (formerly Invitae), Labcorp
Classification: Uncertain significance for Hereditary breast ovarian cancer syndrome. Last evaluated: 2023-03-21. Review status: criteria provided, single submitter. Criteria: Invitae Variant Classification Sherloc (09022015). Collection method: clinical testing. Allele origin: germline.
Comment: This sequence change replaces isoleucine, which is neutral and non-polar, with threonine, which is neutral and polar, at codon 963 of the BRCA2 protein (p.Ile963Thr). This variant is not present in population databases (gnomAD no frequency). This variant has not been reported in the literature in individuals affected with BRCA2-related conditions. Advanced modeling of protein sequence and biophysical properties (such as structural, functional, and spatial information, amino acid conservation, physicochemical variation, residue mobility, and thermodynamic stability) performed at Invitae indicates that this missense variant is not expected to disrupt BRCA2 protein function. In summary, the available evidence is currently insufficient to determine the role of this variant in disease. Therefore, it has been classified as a Variant of Uncertain Significance.

NM_000059.4(BRCA2):c.2888T>C (p.Ile963Thr)

Gene: BRCA2 (BRCA2 DNA repair associated; plus strand). Cytogenetic location: 13q13.1.
Variant type: single nucleotide variant.
Coding change: c.2888T>C on transcript NM_000059.4 (MANE Select); coding-DNA position 2888, T replaced by C.
Protein change: p.Ile963Thr; replaces isoleucine 963 with threonine.
Molecular consequence: missense variant. On other transcripts: non-coding transcript variant (1), intron variant (2).
Genome position (GRCh38, 1-based): chr13:32,337,243, T>C. VCF-style: chr13-32337243-T-C. GRCh37 (hg19) VCF-style: chr13-32911380-T-C.
Other names: c.2888T>C, p.Ile963Thr (NM_001406719.1, NM_001406720.1); c.1909+3856T>C (NM_001406721.1); c.424+6213T>C (NM_001406722.1); short protein forms I963T.
Identifiers: ClinVar variation 2848343 (VCV002848343.4), dbSNP rs2137490945, ClinGen allele CA387774109.
Genomic context (GRCh38, chr13:32,337,243, plus strand): 5'-TTAAAAAAGATTTGGTTTATGTTCTTGCAGAGGAGAACAAAAATAGTGTAAAGCAGCATA[T>C]AAAAATGACTCTAGGTCAAGATTTAAAATCGGACATCTCCTTGAATATAGATAAAATACC-3'
Protein context (NP_000050.3, residues 953-973): EENKNSVKQH[Ile963Thr]KMTLGQDLKS